The following is an entry in ClinVar:

ClinVar aggregate classification (germline): Uncertain significance (1 of 4 stars; one submission).

Submission:

Labcorp Genetics (formerly Invitae), Labcorp
Classification: Uncertain significance. Last evaluated: 2021-01-19. Review status: criteria provided, single submitter. Criteria: Invitae Variant Classification Sherloc (09022015). Collection method: clinical testing. Allele origin: germline.
Comment: This sequence change replaces asparagine with serine at codon 311 of the GNAT2 protein (p.Asn311Ser). The asparagine residue is highly conserved and there is a small physicochemical difference between asparagine and serine. This variant is not present in population databases (ExAC no frequency). This variant has not been reported in the literature in individuals with GNAT2-related conditions. Advanced modeling of protein sequence and biophysical properties (such as structural, functional, and spatial information, amino acid conservation, physicochemical variation, residue mobility, and thermodynamic stability) performed at Invitae indicates that this missense variant is not expected to disrupt GNAT2 protein function. Algorithms developed to predict the effect of sequence changes on RNA splicing suggest that this variant may create or strengthen a splice site, but this prediction has not been confirmed by published transcriptional studies. In summary, the available evidence is currently insufficient to determine the role of this variant in disease. Therefore, it has been classified as a Variant of Uncertain Significance.

NM_001377295.2(GNAT2):c.932A>G (p.Asn311Ser)

Gene: GNAT2 (G protein subunit alpha transducin 2; minus strand). Cytogenetic location: 1p13.3.
Variant type: single nucleotide variant.
Coding change: c.932A>G on transcript NM_001377295.2 (MANE Select); coding-DNA position 932, A replaced by G.
Protein change: p.Asn311Ser; replaces asparagine 311 with serine.
Molecular consequence: missense variant.
Genome position (GRCh38, 1-based): chr1:109,603,487, T>C on the plus strand (A>G on the coding strand, the complement: GNAT2 is on the minus strand). VCF-style: chr1-109603487-T-C. GRCh37 (hg19) VCF-style: chr1-110146109-T-C.
Other names: c.932A>G, p.Asn311Ser (NM_001379232.1, NM_005272.5); short protein forms N311S.
Identifiers: ClinVar variation 1469900 (VCV001469900.8), dbSNP rs2101121277, ClinGen allele CA341532464.